The following is an entry in ClinVar:

ClinVar aggregate classification (germline): Benign/Likely benign. Review status: criteria provided, multiple submitters, no conflicts (2 of 4 stars). 5 submissions from 5 submitters: Benign (2); Likely benign (2). 1 of the submissions does not count toward it. Last evaluated 2026-02-01.

Conditions:
Retinitis pigmentosa (RP). Identifiers: Orphanet 791, MedGen C0035334, MeSH D012174, MONDO:0019200, OMIM 268000. Inheritance: Autosomal dominant, autosomal recessive and X linked inheritance.
Retinitis pigmentosa 25 (RP25). Identifiers: Orphanet 791, MedGen C1864446, MONDO:0011272, OMIM 602772.

Allele frequency attached by ClinVar (database versions not stated): gnomAD exomes 0.00096 and 0.00249; ExAC 0.00427; 1000 Genomes Project 0.00919; ESP Exome Variant Server 0.01054; 1000 Genomes Project 30x 0.01062; gnomAD 0.01109 and 0.01185; TOPMed 0.01238.
gnomAD v4.1: 3,121 of 1,543,912 alleles (0.2%); highest among the groups gnomAD compares: African/African-American, 3.7%; 53 homozygotes.

Submissions (5):

Labcorp Genetics (formerly Invitae), Labcorp
Classification: Benign. Last evaluated: 2026-02-01. Review status: criteria provided, single submitter. Criteria: Invitae Variant Classification Sherloc (09022015). Collection method: clinical testing. Allele origin: germline.

Blueprint Genetics
Classification: Benign. Last evaluated: 2024-11-26. Review status: criteria provided, single submitter. Criteria: ACMG Guidelines, 2015. Collection method: clinical testing. Allele origin: germline.

Illumina Laboratory Services, Illumina
Classification: Likely benign for Retinitis pigmentosa. Last evaluated: 2017-04-27. Review status: criteria provided, single submitter. Criteria: ICSL Variant Classification Criteria 13 December 2019. Collection method: clinical testing. Allele origin: germline.
Comment: This variant was observed as part of a predisposition screen in an ostensibly healthy population. A literature search was performed for the gene, cDNA change, and amino acid change (where applicable). Publications were found based on this search. The evidence from the literature, in combination with allele frequency data from public databases where available, was sufficient to determine this variant is unlikely to cause disease. Therefore, this variant is classified as likely benign.

Breakthrough Genomics
Classification: Likely benign. Review status: criteria provided, single submitter. Criteria: ACMG Guidelines, 2015. Collection method: not provided. Allele origin: germline. Inheritance: Autosomal recessive inheritance. Affected: yes.

Natera, Inc.
Classification: Likely benign for Retinitis pigmentosa type 25. Last evaluated: 2019-10-30. Review status: no assertion criteria provided. Collection method: clinical testing. Allele origin: germline. Not counted in ClinVar's aggregate classification.

Literature cited by the submitters: PubMed 20537394 (cited by Illumina Laboratory Services, Illumina); PubMed 20333770 (cited by Illumina Laboratory Services, Illumina).

NM_001142800.2(EYS):c.6452A>G (p.Asn2151Ser)

Gene: EYS (EGF-like photoreceptor maintenance factor; minus strand). Cytogenetic location: 6q12.
Variant type: single nucleotide variant.
Coding change: c.6452A>G on transcript NM_001142800.2 (MANE Select); coding-DNA position 6452, A replaced by G.
Protein change: p.Asn2151Ser; replaces asparagine 2151 with serine.
Molecular consequence: missense variant.
Genome position (GRCh38, 1-based): chr6:64,081,975, T>C on the plus strand (A>G on the coding strand, the complement: EYS is on the minus strand). VCF-style: chr6-64081975-T-C. GRCh37 (hg19) VCF-style: chr6-64791868-T-C.
Other names: c.6452A>G, p.Asn2151Ser (NM_001292009.2); short protein forms N2151S.
Identifiers: ClinVar variation 786887 (VCV000786887.17), dbSNP rs141603172, ClinGen allele CA3876912.